The following is an entry in ClinVar:

ClinVar aggregate classification (germline): Uncertain significance. Review status: criteria provided, multiple submitters, no conflicts (2 of 4 stars). 6 submissions from 6 submitters: Uncertain significance (5). 1 of the submissions does not count toward it. Last evaluated 2025-01-22.

Conditions:
Leukoencephalopathy with brain stem and spinal cord involvement-high lactate syndrome (LBSL). Also called: MITOCHONDRIAL ASPARTYL-tRNA SYNTHETASE DEFICIENCY; Leukoencephalopathy with Brainstem and Spinal Cord Involvement and Lactate Elevation; LEUKOENCEPHALOPATHY WITH BRAINSTEM AND SPINAL CORD INVOLVEMENT AND LACTATE ELEVATION, MILD. Identifiers: Orphanet 137898, MedGen C1970180, MONDO:0012622, OMIM 611105.

Allele frequency attached by ClinVar (database versions not stated): ExAC 0.00001; gnomAD 0.00001; gnomAD exomes 0.00001 and 0.00002; TOPMed 0.00002.
gnomAD v4.1: 34 of 1,614,002 alleles (0.0021%); highest among the groups gnomAD compares: South Asian, 0.0055%; no homozygotes.

Submissions (6):

Broad Center for Mendelian Genomics, Broad Institute of MIT and Harvard
Classification: Uncertain significance for Leukoencephalopathy with brain stem and spinal cord involvement-high lactate syndrome. Last evaluated: 2025-01-22. Review status: criteria provided, single submitter. Criteria: ACMG Guidelines, 2015. Collection method: curation. Allele origin: germline. Inheritance: Autosomal recessive inheritance.
Comment: The p.Arg609Trp variant in DARS2 has been reported, in the homozygous state, in 1 individual with leukoencephalopathy with brain stem and spinal cord involvement-high lactate syndrome (PMID: 21749991), and has been identified in 0.005% (5/91092) of South Asian chromosomes by the Genome Aggregation Database (gnomAD; dbSNP rs200670286). Although this variant has been seen in the general population in a heterozygous state, its frequency is low enough to be consistent with a recessive carrier frequency. This variant has also been reported in ClinVar (Variation ID: 30863), and has been interpreted as a variant of unknown significance by GeneDx and Al Jalila Children's Genomics Center. Computational prediction tools and conservation analyses suggest that this variant may impact the protein, though this information is not predictive enough to determine pathogenicity. In summary, the clinical significance of the p.Arg609Trp variant is uncertain. ACMG/AMP Criteria applied: PP3, PM2_supporting, PM3_supporting (Richards 2015).

CeGaT Center for Human Genetics Tuebingen
Classification: Uncertain significance. Last evaluated: 2024-02-01. Review status: criteria provided, single submitter. Criteria: CeGaT Center For Human Genetics Tuebingen Variant Classification Criteria Version 2. Collection method: clinical testing. Allele origin: germline. Affected: yes. Observed: 1 variant allele.
Comment: DARS2: PM2, PM3:Supporting

Genome-Nilou Lab
Classification: Uncertain significance for Leukoencephalopathy with brain stem and spinal cord involvement-high lactate syndrome. Last evaluated: 2023-04-11. Review status: criteria provided, single submitter. Criteria: ACMG Guidelines, 2015. Collection method: clinical testing. Allele origin: germline. Affected: no.

GeneDx
Classification: Uncertain significance. Last evaluated: 2020-09-23. Review status: criteria provided, single submitter. Criteria: GeneDx Variant Classification Process June 2021. Collection method: clinical testing. Allele origin: germline. Affected: yes.
Comment: This variant is associated with the following publications: (PMID: 21749991)

Dubai Health Genomic Medicine Center, Dubai Health
Classification: Uncertain significance for Leukoencephalopathy with brain stem and spinal cord involvement-high lactate syndrome. Last evaluated: 2020-08-04. Review status: criteria provided, single submitter. Criteria: ACMG Guidelines, 2015. Collection method: clinical testing. Allele origin: germline. Affected: yes.
Comment: The p.Arg609Trp missense variant in DARS2 has been previously reported in the homozygous state in one patient with exercise-induced paroxysomal gait ataxia and areflexia (PMID: 21749991). This variant was also identified in 2/251348 (0.0008% 0 homozygotes) total alleles in the Genome Aggregation Database (gnomAD). Computational prediction tools and conservation analysis do not suggest an impact to protein function though this information is not predictive enough to rule out pathogenicity. In summary more information is needed to determine the clinical significance of this variant.

OMIM
Classification: Pathogenic for LEUKOENCEPHALOPATHY WITH BRAINSTEM AND SPINAL CORD INVOLVEMENT AND LACTATE ELEVATION, MILD. Last evaluated: 2011-10-01. Review status: no assertion criteria provided. Collection method: literature only. Allele origin: germline. Not counted in ClinVar's aggregate classification.

Literature cited by the submitters: PubMed 21749991 (cited by OMIM).

NM_018122.5(DARS2):c.1825C>T (p.Arg609Trp)

Gene: DARS2 (aspartyl-tRNA synthetase 2, mitochondrial; plus strand). Cytogenetic location: 1q25.1.
Variant type: single nucleotide variant.
Coding change: c.1825C>T on transcript NM_018122.5 (MANE Select); coding-DNA position 1825, C replaced by T.
Protein change: p.Arg609Trp; replaces arginine 609 with tryptophan.
Molecular consequence: missense variant.
Genome position (GRCh38, 1-based): chr1:173,857,592, C>T. VCF-style: chr1-173857592-C-T. GRCh37 (hg19) VCF-style: chr1-173826730-C-T.
Other names: NM_018122.5(DARS2):c.1825C>T; p.Arg609Trp; c.1672C>T, p.Arg558Trp (NM_001365212.1); short protein forms R609W, R558W.
Identifiers: ClinVar variation 30863 (VCV000030863.29), dbSNP rs200670286, ClinGen allele CA259925.